The following is an entry in ClinVar:

ClinVar aggregate classification (germline): Uncertain significance (1 of 4 stars; one submission).

Submission:

GeneDx
Classification: Uncertain significance. Last evaluated: 2019-08-17. Review status: criteria provided, single submitter. Criteria: GeneDx Variant Classification Process June 2021. Collection method: clinical testing. Allele origin: germline. Affected: yes.
Comment: Not observed in large population cohorts (Lek et al., 2016); In silico analysis, which includes protein predictors and evolutionary conservation, supports that this variant does not alter protein structure/function; Has not been previously published as pathogenic or benign to our knowledge

NM_001134407.3(GRIN2A):c.2185A>G (p.Ile729Val)

Gene: GRIN2A (glutamate ionotropic receptor NMDA type subunit 2A; minus strand). Cytogenetic location: 16p13.2.
Variant type: single nucleotide variant.
Coding change: c.2185A>G on transcript NM_001134407.3 (MANE Select); coding-DNA position 2185, A replaced by G.
Protein change: p.Ile729Val; replaces isoleucine 729 with valine.
Molecular consequence: missense variant.
Genome position (GRCh38, 1-based): chr16:9,798,448, T>C on the plus strand (A>G on the coding strand, the complement: GRIN2A is on the minus strand). VCF-style: chr16-9798448-T-C. GRCh37 (hg19) VCF-style: chr16-9892305-T-C.
Other names: c.2185A>G, p.Ile729Val (NM_000833.5, NM_001134408.2); short protein forms I729V.
Identifiers: ClinVar variation 1307719 (VCV001307719.2), dbSNP rs2141231171, ClinGen allele CA394797314.